The following is an entry in ClinVar:

NM_206965.2(FTCD):c.1363G>A (p.Ala455Thr)

Gene: FTCD (formimidoyltransferase cyclodeaminase; minus strand). Cytogenetic location: 21q22.3.
Variant type: single nucleotide variant.
Coding change: c.1363G>A on transcript NM_206965.2 (MANE Select); coding-DNA position 1363, G replaced by A.
Protein change: p.Ala455Thr; replaces alanine 455 with threonine.
Molecular consequence: missense variant.
Genome position (GRCh38, 1-based): chr21:46,138,588, C>T on the plus strand (G>A on the coding strand, the complement: FTCD is on the minus strand). VCF-style: chr21-46138588-C-T. GRCh37 (hg19) VCF-style: chr21-47558502-C-T.
Other names: c.1363G>A, p.Ala455Thr (NM_001320412.2, NM_006657.3); c.1363G>A (NM_006657.2); short protein forms A455T.
Identifiers: ClinVar variation 1355344 (VCV001355344.4), dbSNP rs376572763, ClinGen allele CA10073469.
Genomic context (GRCh38, chr21:46,138,588, plus strand): 5'-CCAGGTTCCCACACCGGGCCAGTTCCTGCAGGGCCGGCCACAGCGAGGCCACCGTCTCCG[C>T]CAGCGTCAGCGGCACAGAGACTGCCCGCCTCAGACCCTCCTGTAGGGCCGCCGTGCGCCT-3'
Protein context (NP_996848.1, residues 445-465): RRAVSVPLTL[Ala455Thr]ETVASLWPAL

ClinVar aggregate classification (germline): Uncertain significance. Review status: criteria provided, multiple submitters, no conflicts (2 of 4 stars). 2 submissions from 2 submitters: Uncertain significance (2). Last evaluated 2022-10-25.

Conditions:
Inborn genetic diseases. Identifiers: MedGen C0950123, MeSH D030342.
Glutamate formiminotransferase deficiency. Also called: Formiminoglutamic aciduria; Arakawa syndrome 1. Identifiers: Orphanet 51208, MedGen C0268609, MONDO:0009240, OMIM 229100.

Allele frequency attached by ClinVar (database versions not stated): gnomAD 0.00004; ExAC 0.00007; gnomAD exomes 0.00007 and 0.00010; ESP Exome Variant Server 0.00008; TOPMed 0.00008.
gnomAD v4.1: 149 of 1,590,022 alleles (0.0094%); highest among the groups gnomAD compares: Non-Finnish European, 0.012%; no homozygotes.

Submissions (2):

Labcorp Genetics (formerly Invitae), Labcorp
Classification: Uncertain significance for Glutamate formiminotransferase deficiency. Last evaluated: 2022-10-25. Review status: criteria provided, single submitter. Criteria: Invitae Variant Classification Sherloc (09022015). Collection method: clinical testing. Allele origin: germline.
Comment: This sequence change replaces alanine, which is neutral and non-polar, with threonine, which is neutral and polar, at codon 455 of the FTCD protein (p.Ala455Thr). This variant is present in population databases (rs376572763, gnomAD 0.02%). This variant has not been reported in the literature in individuals affected with FTCD-related conditions. ClinVar contains an entry for this variant (Variation ID: 1355344). Advanced modeling of protein sequence and biophysical properties (such as structural, functional, and spatial information, amino acid conservation, physicochemical variation, residue mobility, and thermodynamic stability) has been performed at Invitae for this missense variant, however the output from this modeling did not meet the statistical confidence thresholds required to predict the impact of this variant on FTCD protein function. In summary, the available evidence is currently insufficient to determine the role of this variant in disease. Therefore, it has been classified as a Variant of Uncertain Significance.

Ambry Genetics
Classification: Uncertain significance for Inborn genetic diseases. Last evaluated: 2022-01-07. Review status: criteria provided, single submitter. Criteria: Ambry Variant Classification Scheme 2023. Collection method: clinical testing. Allele origin: germline.